The following is an entry in ClinVar:

NM_024420.3(PLA2G4A):c.77G>A (p.Arg26His)

Gene: PLA2G4A (phospholipase A2 group IVA; plus strand). Cytogenetic location: 1q31.1.
Variant type: single nucleotide variant.
Coding change: c.77G>A on transcript NM_024420.3 (MANE Select); coding-DNA position 77, G replaced by A.
Protein change: p.Arg26His; replaces arginine 26 with histidine.
Molecular consequence: missense variant.
Genome position (GRCh38, 1-based): chr1:186,870,478, G>A. VCF-style: chr1-186870478-G-A. GRCh37 (hg19) VCF-style: chr1-186839610-G-A.
Other names: c.77G>A, p.Arg26His (NM_001311193.2); short protein forms R26H.
Identifiers: ClinVar variation 2184712 (VCV002184712.4), dbSNP rs143369014, ClinGen allele CA1299813.

ClinVar aggregate classification (germline): Uncertain significance (1 of 4 stars; one submission).

Allele frequency attached by ClinVar (database versions not stated): gnomAD exomes 0.00003; ExAC 0.00005; ESP Exome Variant Server 0.00008; gnomAD 0.00009; TOPMed 0.00009.
gnomAD v4.1: 52 of 1,612,138 alleles (0.0032%); highest among the groups gnomAD compares: African/African-American, 0.02%; no homozygotes.

Submission:

Labcorp Genetics (formerly Invitae), Labcorp
Classification: Uncertain significance. Last evaluated: 2022-07-06. Review status: criteria provided, single submitter. Criteria: Invitae Variant Classification Sherloc (09022015). Collection method: clinical testing. Allele origin: germline.
Comment: In summary, the available evidence is currently insufficient to determine the role of this variant in disease. Therefore, it has been classified as a Variant of Uncertain Significance. Algorithms developed to predict the effect of missense changes on protein structure and function output the following: SIFT: "Deleterious"; PolyPhen-2: "Benign"; Align-GVGD: "Class C0". The histidine amino acid residue is found in multiple mammalian species, which suggests that this missense change does not adversely affect protein function. This variant has not been reported in the literature in individuals affected with PLA2G4A-related conditions. This variant is present in population databases (rs143369014, gnomAD 0.02%). This sequence change replaces arginine, which is basic and polar, with histidine, which is basic and polar, at codon 26 of the PLA2G4A protein (p.Arg26His).